The following is an entry in ClinVar:

ClinVar aggregate classification (germline): Uncertain significance (1 of 4 stars; one submission).

Submission:

Labcorp Genetics (formerly Invitae), Labcorp
Classification: Uncertain significance. Last evaluated: 2024-02-01. Review status: criteria provided, single submitter. Criteria: Invitae Variant Classification Sherloc (09022015). Collection method: clinical testing. Allele origin: germline.
Comment: This sequence change replaces isoleucine, which is neutral and non-polar, with asparagine, which is neutral and polar, at codon 219 of the PKLR protein (p.Ile219Asn). This variant is not present in population databases (gnomAD no frequency). This variant has not been reported in the literature in individuals affected with PKLR-related conditions. Advanced modeling of protein sequence and biophysical properties (such as structural, functional, and spatial information, amino acid conservation, physicochemical variation, residue mobility, and thermodynamic stability) performed at Invitae indicates that this missense variant is expected to disrupt PKLR protein function with a positive predictive value of 80%. In summary, the available evidence is currently insufficient to determine the role of this variant in disease. Therefore, it has been classified as a Variant of Uncertain Significance.

NM_000298.6(PKLR):c.656T>A (p.Ile219Asn)

Gene: PKLR (pyruvate kinase L/R; minus strand). Cytogenetic location: 1q22.
Variant type: single nucleotide variant.
Coding change: c.656T>A on transcript NM_000298.6 (MANE Select); coding-DNA position 656, T replaced by A.
Protein change: p.Ile219Asn; replaces isoleucine 219 with asparagine.
Molecular consequence: missense variant.
Genome position (GRCh38, 1-based): chr1:155,295,154, A>T on the plus strand (T>A on the coding strand, the complement: PKLR is on the minus strand). VCF-style: chr1-155295154-A-T. GRCh37 (hg19) VCF-style: chr1-155264945-A-T.
Other names: c.563T>A, p.Ile188Asn (NM_181871.4); short protein forms I188N, I219N.
Identifiers: ClinVar variation 3637921 (VCV003637921.2).